The following is an entry in ClinVar:

ClinVar aggregate classification (germline): Pathogenic (1 of 4 stars; one submission).

Conditions:
Cohen syndrome (COH1). Also called: Cutis verticis gyrata, retinitis pigmentosa, and sensorineural deafness; PEPPER SYNDROME. Identifiers: Orphanet 193, MedGen C0265223, MONDO:0008999, OMIM 216550.

Submission:

Labcorp Genetics (formerly Invitae), Labcorp
Classification: Pathogenic for Cohen syndrome. Last evaluated: 2021-12-21. Review status: criteria provided, single submitter. Criteria: Invitae Variant Classification Sherloc (09022015). Collection method: clinical testing. Allele origin: germline.
Comment: For these reasons, this variant has been classified as Pathogenic. This variant is also known as c.2516_4299del. A similar copy number variant has been observed in individual(s) with Cohen syndrome (PMID: 16648375). This variant is a gross deletion of the genomic region encompassing exon(s) 18-28 of the VPS13B gene. This deletion is out-of-frame, and is expected to create a premature termination codon and result in an absent or disrupted protein product. Loss-of-function variants in VPS13B are known to be pathogenic (PMID: 15141358, 16648375, 20461111).

Literature cited by the submitters: PubMed 16648375; PubMed 15141358; PubMed 20461111.

NC_000008.10:g.(?_100286406)_(100520159_?)del

Gene: VPS13B (vacuolar protein sorting 13 homolog B; plus strand). Cytogenetic location: 8q22.2.
Variant type: Deletion.
Identifiers: ClinVar variation 2426379 (VCV002426379.3).